The following is an entry in ClinVar:

ClinVar aggregate classification (germline): Pathogenic. Review status: criteria provided, multiple submitters, no conflicts (2 of 4 stars). 2 submissions from 2 submitters: Pathogenic (2). Last evaluated 2023-08-24.

Conditions:
Sitosterolemia 2. Identifiers: MedGen C5231453, MONDO:0020748, OMIM 618666.
Cardiovascular phenotype. Identifiers: MedGen CN230736.

Allele frequency attached by ClinVar (database versions not stated): TOPMed below 0.00001; gnomAD 0.00001.

Submissions (2):

Ambry Genetics
Classification: Pathogenic for Cardiovascular phenotype. Last evaluated: 2023-08-24. Review status: criteria provided, single submitter. Criteria: Ambry Variant Classification Scheme 2023. Collection method: clinical testing. Allele origin: germline.
Comment: The c.335dupA (p.V113Gfs*85) alteration, located in exon 3 (coding exon 3) of the ABCG5 gene, consists of a duplication of A at position 335, causing a translational frameshift with a predicted alternate stop codon after 85 amino acids. This alteration is expected to result in loss of function by premature protein truncation or nonsense-mediated mRNA decay. Based on data from gnomAD, the c.335dupA allele has an overall frequency of 0.001% (1/175774) total alleles studied. The highest observed frequency was 0.008% (1/13418) of East Asian alleles. This variant has been detected in the compound heterozygous state with other ABCG5 variants in multiple individuals reported to have sitosterolemia (Zhang, 2022). Based on the available evidence, this alteration is classified as pathogenic.

Juno Genomics, Hangzhou Juno Genomics, Inc
Classification: Pathogenic for Sitosterolemia 2. Review status: criteria provided, single submitter. Criteria: ACMG Guidelines, 2015. Collection method: clinical testing. Allele origin: germline.
Comment: Absent from controls (or at extremely low frequency if recessive) in Genome Aggregation Database.;Null variant in a gene where loss of function (LOF) is a known mechanism of disease.;For recessive disorders, detected in trans with a pathogenic variant.

Literature cited by the submitters: PubMed 36229885 (cited by Ambry Genetics).

NM_022436.3(ABCG5):c.335dup (p.Val113fs)

Gene: ABCG5 (ATP binding cassette subfamily G member 5; minus strand). Cytogenetic location: 2p21.
Variant type: Duplication.
Coding change: c.335dup on transcript NM_022436.3 (MANE Select); coding-DNA position 335, one base duplicated (A; older notation c.335dupA).
Protein change: p.Val113fs; shifts the reading frame from valine 113.
Molecular consequence: frameshift variant.
Genome position (GRCh38, 1-based): chr2:43,832,014, T duplicated on the plus strand (A on the coding strand, the reverse complement: ABCG5 is on the minus strand). VCF-style (leftmost placement, unchanged base first): chr2-43832013-C-CT. GRCh37 (hg19) VCF-style: chr2-44059152-C-CT.
Other names: short protein forms V113fs.
Identifiers: ClinVar variation 2616584 (VCV002616584.4), dbSNP rs1470569820, ClinGen allele CA532702904.